The following is an entry in ClinVar:

ClinVar aggregate classification (germline): Conflicting classifications of pathogenicity. Review status: criteria provided, conflicting classifications (1 of 4 stars). 2 submissions from 2 submitters: Likely pathogenic (1); Uncertain significance (1). Last evaluated 2024-11-14.

Conditions:
STAT3-related disorder. Also called: STAT3-related condition.

Allele frequency attached by ClinVar (database versions not stated): gnomAD exomes below 0.00001.
gnomAD v4.1: 1 of 1,614,104 alleles (0.000062%); highest among the groups gnomAD compares: Non-Finnish European, 0.000085%; no homozygotes.

Submissions (2):

GeneDx
Classification: Uncertain significance. Last evaluated: 2024-11-14. Review status: criteria provided, single submitter. Criteria: GeneDx Variant Classification Process June 2021. Collection method: clinical testing. Allele origin: germline. Affected: yes.
Comment: Not observed at significant frequency in large population cohorts (gnomAD); In silico analysis supports that this missense variant has a deleterious effect on protein structure/function; Has not been previously published as pathogenic or benign to our knowledge; This variant is associated with the following publications: (PMID: 17676033, 18602572)

Rady Children's Institute for Genomic Medicine, Rady Children's Hospital San Diego
Classification: Likely pathogenic for STAT3-Related Conditions. Review status: criteria provided, single submitter. Criteria: ACMG Guidelines, 2015. Collection method: clinical testing. Allele origin: germline. Affected: yes.
Comment: This variant has not been previously reported or functionally characterized in the literature to our knowledge. The STAT3 gene is highly intolerant to missense variation (z-score: 4.99), and pathogenic missense variants are a known mechanism of disease (PMID: 20301786). The p.Met28Val variant is absent from the gnomAD population database and thus is presumed to be rare. In silico tools used to predict the effect of this variant on protein function yield discordant results. Analysis of the parental samples was negative for the variant, indicating this variant likely occurred as a de novo event. Based on the available evidence, the c.82A>G (p.Met28Val) variant is classified as Likely Pathogenic.

NM_139276.3(STAT3):c.82A>G (p.Met28Val)

Gene: STAT3 (signal transducer and activator of transcription 3; minus strand). Cytogenetic location: 17q21.2.
Variant type: single nucleotide variant.
Coding change: c.82A>G on transcript NM_139276.3 (MANE Select); coding-DNA position 82, A replaced by G.
Protein change: p.Met28Val; replaces methionine 28 with valine.
Molecular consequence: missense variant.
Genome position (GRCh38, 1-based): chr17:42,348,435, T>C on the plus strand (A>G on the coding strand, the complement: STAT3 is on the minus strand). VCF-style: chr17-42348435-T-C. GRCh37 (hg19) VCF-style: chr17-40500453-T-C.
Other names: c.82A>G, p.Met28Val (NM_001369512.1, NM_001369513.1, NM_001369514.1 and 17 more transcripts); short protein forms M28V.
Identifiers: ClinVar variation 1307011 (VCV001307011.5), dbSNP rs2145013673, ClinGen allele CA399597721.